The following is an entry in ClinVar:

NM_003705.5(SLC25A12):c.1446+5G>A

Gene: SLC25A12 (solute carrier family 25 member 12; minus strand). Cytogenetic location: 2q31.1.
Variant type: single nucleotide variant.
Coding change: c.1446+5G>A on transcript NM_003705.5 (MANE Select); 5 bases into the intron after coding-DNA position 1446, G replaced by A.
Molecular consequence: intron variant.
Genome position (GRCh38, 1-based): chr2:171,793,622, C>T on the plus strand (G>A on the coding strand, the complement: SLC25A12 is on the minus strand). VCF-style: chr2-171793622-C-T. GRCh37 (hg19) VCF-style: chr2-172650132-C-T.
Identifiers: ClinVar variation 853976 (VCV000853976.7), dbSNP rs1683534505, ClinGen allele CA916082255.
Genomic context (GRCh38, chr2:171,793,622, plus strand): 5'-GAAGAAGTCTGGTTTCCACATTCTTTCATATTTTATTGAGTACATTATAACCTAAACCTA[C>T]CCACCTTATACAGACCAAAAATTCCCAAGTCCCGGAGCACATTCAGGGCGCTGACTCTGG-3'

ClinVar aggregate classification (germline): Uncertain significance (1 of 4 stars; one submission).

Submission:

Labcorp Genetics (formerly Invitae), Labcorp
Classification: Uncertain significance. Last evaluated: 2019-04-03. Review status: criteria provided, single submitter. Criteria: Invitae Variant Classification Sherloc (09022015). Collection method: clinical testing. Allele origin: germline.
Comment: This sequence change falls in intron 14 of the SLC25A12 gene. It does not directly change the encoded amino acid sequence of the SLC25A12 protein, but it affects a nucleotide within the consensus splice site of the intron. This variant is not present in population databases (ExAC no frequency). This variant has not been reported in the literature in individuals with SLC25A12-related conditions. Nucleotide substitutions within the consensus splice site are a relatively common cause of aberrant splicing (PMID: 17576681, 9536098). Algorithms developed to predict the effect of sequence changes on RNA splicing suggest that this variant may disrupt the consensus splice site, but this prediction has not been confirmed by published transcriptional studies. In summary, the available evidence is currently insufficient to determine the role of this variant in disease. Therefore, it has been classified as a Variant of Uncertain Significance.

Literature cited by the submitters: PubMed 17576681; PubMed 9536098.